The following is an entry in ClinVar:

ClinVar aggregate classification (germline): Pathogenic/Likely pathogenic. Review status: criteria provided, multiple submitters, no conflicts (2 of 4 stars). 2 submissions from 2 submitters: Pathogenic (1); Likely pathogenic (1). Last evaluated 2023-12-30.

Conditions:
Muscular dystrophy-dystroglycanopathy (congenital with brain and eye anomalies), type A5. Also called: WALKER-WARBURG SYNDROME OR MUSCLE-EYE-BRAIN DISEASE, FKRP-RELATED; MUSCULAR DYSTROPHY-DYSTROGLYCANOPATHY (CONGENITAL WITH BRAIN AND EYE ANOMALIES), TYPE A, 5. Identifiers: Orphanet 588, Orphanet 899, MedGen C3150413, MONDO:0013157, OMIM 613153.
Walker-Warburg congenital muscular dystrophy. Also called: Muscular dystrophy-dystroglycanopathy, type A; Walker-Warburg syndrome. Identifiers: Orphanet 899, MedGen C0265221, MONDO:0000171.

Submissions (2):

Baylor Genetics
Classification: Likely pathogenic for Muscular dystrophy-dystroglycanopathy (congenital with brain and eye anomalies), type A5. Last evaluated: 2023-12-30. Review status: criteria provided, single submitter. Criteria: ACMG Guidelines, 2015. Collection method: clinical testing. Allele origin: unknown.

Labcorp Genetics (formerly Invitae), Labcorp
Classification: Pathogenic for Walker-Warburg congenital muscular dystrophy. Last evaluated: 2020-11-21. Review status: criteria provided, single submitter. Criteria: Invitae Variant Classification Sherloc (09022015). Collection method: clinical testing. Allele origin: germline.
Comment: This variant has not been reported in the literature in individuals with FKRP-related conditions. This variant disrupts the C-terminus of the FKRP protein. Other variant(s) that disrupt this region (p.Gln460*) have been determined to be pathogenic (PMID: 16476814, Invitae). This suggests that variants that disrupt this region of the protein are likely to be causative of disease. For these reasons, this variant has been classified as Pathogenic. This variant is not present in population databases (ExAC no frequency). This sequence change creates a premature translational stop signal (p.Leu446Alafs*17) in the FKRP gene. While this is not anticipated to result in nonsense mediated decay, it is expected to disrupt the last 50 amino acid(s) of the FKRP protein.

Literature cited by the submitters: PubMed 16476814 (cited by Labcorp Genetics (formerly Invitae), Labcorp).

NM_024301.5(FKRP):c.1335_1336del (p.Leu446fs)

Gene: FKRP (fukutin related protein; plus strand). Cytogenetic location: 19q13.32.
Variant type: Deletion.
Coding change: c.1335_1336del on transcript NM_024301.5 (MANE Select); coding-DNA positions 1335 to 1336, 2 bases deleted (CC; older notation c.1335_1336delCC).
Protein change: p.Leu446fs; shifts the reading frame from leucine 446.
Molecular consequence: frameshift variant.
Genome position (GRCh38, 1-based): chr19:46,756,785-46,756,786, CC deleted. VCF-style (leftmost placement, unchanged base first): chr19-46756784-TCC-T. GRCh37 (hg19) VCF-style: chr19-47260041-TCC-T.
Other names: c.1335_1336del, p.Leu446fs (NM_001039885.3); short protein forms L446fs.
Identifiers: ClinVar variation 1363110 (VCV001363110.9), dbSNP rs1384878260, ClinGen allele CA633484295.
Genomic context (GRCh38, chr19:46,756,784, plus strand): 5'-GCGTCATGACCAAGGACACGTGGCTGGACCACCGGCAGGATGTGGAGTTTCCCGAGCACT[TCC>T]TGCAGCCGCTGGTGCCCCTGCCCTTTGCCGGCTTCGTGGCGCAGGCGCCTAACAACTACC-3'